The following is an entry in ClinVar:

NM_000110.4(DPYD):c.2043_2058del (p.Leu682fs)

Gene: DPYD (dihydropyrimidine dehydrogenase; minus strand). Cytogenetic location: 1p21.3.
Variant type: Deletion.
Coding change: c.2043_2058del on transcript NM_000110.4 (MANE Select); coding-DNA positions 2043 to 2058, 16 bases deleted (CCTGGCCTGTGGGCAG).
Protein change: p.Leu682fs; shifts the reading frame from leucine 682.
Molecular consequence: frameshift variant.
Genome position (GRCh38, 1-based): chr1:97,373,561-97,373,576, CTGCCCACAGGCCAGG deleted on the plus strand (CCTGGCCTGTGGGCAG on the coding strand, the reverse complement: DPYD is on the minus strand); deleting any 16 consecutive bases within chr1:97,373,561-97,373,577 gives the same sequence; the c. name uses the placement nearest the transcript's 3' end. VCF-style (leftmost placement, unchanged base first): chr1-97373560-CCTGCCCACAGGCCAGG-C. GRCh37 (hg19) VCF-style: chr1-97839116-CCTGCCCACAGGCCAGG-C.
Other names: c.2043_2058del16 (NM_000110.3); short protein forms L682fs.
Identifiers: ClinVar variation 188871 (VCV000188871.18), dbSNP rs773499329, ClinGen allele CA199084.
Genomic context (GRCh38, chr1:97,373,560, plus strand): 5'-TCCATACGGGGGCCTGTTATGTCACACTGACATACTTAGTGGCAGCTGTCAAGGTCCTTA[CCTGCCCACAGGCCAGG>C]CCCATTCCTCTTTCTCCCATGCCATGTGGACATGATAAATTTAACTCCAGGGCATCTGCT-3'

ClinVar aggregate classification (germline): Likely pathogenic. Review status: criteria provided, multiple submitters, no conflicts (2 of 4 stars). 7 submissions from 7 submitters: Likely pathogenic (6). 1 of the submissions does not count toward it. Last evaluated 2026-10-05.

Conditions:
Dihydropyrimidine dehydrogenase deficiency (DPYDD). Also called: DPD DEFICIENCY; DPYD DEFICIENCY; Hereditary Thymine-Uraciluria. Identifiers: Orphanet 1675, MedGen C1959620, MONDO:0010130, OMIM 274270.

Submissions (7):

GeneDx
Classification: Likely pathogenic. Last evaluated: 2026-10-05. Review status: criteria provided, single submitter. Criteria: GeneDx Variant Classification Process June 2021. Collection method: clinical testing. Allele origin: germline.
Comment: Frameshift variant predicted to result in protein truncation or nonsense mediated decay in a gene for which loss of function is a known mechanism of disease; This variant is associated with the following publications: (PMID: 29760218, 39032822, 22353294, 38143368)

Baylor Genetics
Classification: Likely pathogenic for Dihydropyrimidine dehydrogenase deficiency. Last evaluated: 2024-02-29. Review status: criteria provided, single submitter. Criteria: ACMG Guidelines, 2015. Collection method: clinical testing. Allele origin: unknown.

Genome-Nilou Lab
Classification: Likely pathogenic for Dihydropyrimidine dehydrogenase deficiency. Last evaluated: 2023-04-11. Review status: criteria provided, single submitter. Criteria: ACMG Guidelines, 2015. Collection method: clinical testing. Allele origin: germline. Affected: no.

Women's Health and Genetics/Laboratory Corporation of America, LabCorp
Classification: Likely pathogenic for Dihydropyrimidine dehydrogenase deficiency. Last evaluated: 2022-06-15. Review status: criteria provided, single submitter. Criteria: LabCorp Variant Classification Summary - May 2015. Collection method: clinical testing. Allele origin: germline.
Comment: Variant summary: DPYD c.2043_2058del16 (p.Leu682IlefsX24) results in a premature termination codon, predicted to cause a truncation of the encoded protein or absence of the protein due to nonsense mediated decay, which are commonly known mechanisms for disease. Truncations downstream of this position have been classified as pathogenic by our laboratory. The variant allele was found at a frequency of 0.00013 in 250642 control chromosomes in the gnomAD database, including 1 homozygote. This frequency is not significantly higher than expected for a pathogenic variant in DPYD causing Dihydropyrimidine Dehydrogenase Deficiency (0.00013 vs 0.0025), allowing no conclusion about variant significance The variant, c.2043_2058del16, was observed in a homozygous patient diagnosed with Dihydrophyrmidine Dehydrogenase Deficiency (Ong_2012). These data indicate that the variant may be associated with disease. To our knowledge, no experimental evidence demonstrating an impact on protein function has been reported. One ClinVar submitter (evaluation after 2014) cites the variant as likely pathogenic. Based on the evidence outlined above, the variant was classified as likely pathogenic.

Fulgent Genetics
Classification: Likely pathogenic for Dihydropyrimidine dehydrogenase deficiency. Last evaluated: 2021-07-22. Review status: criteria provided, single submitter. Criteria: ACMG Guidelines, 2015. Collection method: clinical testing. Allele origin: unknown.

Revvity Omics, Revvity
Classification: Likely pathogenic for Dihydropyrimidine dehydrogenase deficiency. Last evaluated: 2020-10-26. Review status: criteria provided, single submitter. Criteria: ACMG Guidelines, 2015. Collection method: clinical testing. Allele origin: germline.

Counsyl
Classification: Likely pathogenic for Dihydropyrimidine dehydrogenase deficiency. Last evaluated: 2014-07-09. Review status: no assertion criteria provided. Collection method: literature only. Allele origin: unknown. Inheritance: Autosomal recessive inheritance. Not counted in ClinVar's aggregate classification.

Literature cited by the submitters: PubMed 22353294 (cited by Women's Health and Genetics/Laboratory Corporation of America, LabCorp and Counsyl); PubMed 32973300 (cited by Women's Health and Genetics/Laboratory Corporation of America, LabCorp).